The following is an entry in ClinVar:

NM_000257.4(MYH7):c.2470G>C (p.Val824Leu)

Genes: MYH7 (myosin heavy chain 7; minus strand), LOC126861898 (BRD4-independent group 4 enhancer GRCh37_chr14:23893609-23894808; plus strand). Cytogenetic location: 14q11.2.
Variant type: single nucleotide variant.
Coding change: c.2470G>C on transcript NM_000257.4 (MANE Select); coding-DNA position 2470, G replaced by C.
Protein change: p.Val824Leu; replaces valine 824 with leucine.
Molecular consequence: missense variant.
Genome position (GRCh38, 1-based): chr14:23,424,978, C>G on the plus strand (G>C on the coding strand, the complement: MYH7 is on the minus strand). VCF-style: chr14-23424978-C-G. GRCh37 (hg19) VCF-style: chr14-23894187-C-G.
Other names: short protein forms V824L.
Identifiers: ClinVar variation 42906 (VCV000042906.5), dbSNP rs397516149, ClinGen allele CA012395.

ClinVar aggregate classification (germline): Uncertain significance (1 of 4 stars; one submission).

Submission:

Laboratory for Molecular Medicine, Mass General Brigham Personalized Medicine
Classification: Uncertain significance. Last evaluated: 2012-10-24. Review status: criteria provided, single submitter. Criteria: LMM Criteria. Collection method: clinical testing. Allele origin: germline. Inheritance: Autosomal dominant inheritance. Observed: 1 variant allele.
Comment: Variant classified as Uncertain Significance - Favor Pathogenic. The Val824Leu variant has not be en identified in large and broad European American and African American populati ons by the NHLBI Exome Sequencing Project. Va line (Val) at position 824 is highly conserved in mammals and across evolutionar ily distant species and the change to Leucine (Leu) was predicted to be pathogen ic using a computational tool, which was validated by our laboratory using a set of cardiomyopathy variants with well-established clinical significance. This to ol's pathogenic prediction is estimated to be correct 94% of the time (Jordan 20 11). Furthermore, two variants affecting the same codon in MYH7 (Val824Ile, Val 824Ala) have been reported in individuals with HCM (Erdmann 2003, LMM data) sugg esting that a change to this position may not be tolerated. In summary, althoug h the data support that the Val824Leu variant may be pathogenic, additional stud ies are needed to fully assess its clinical significance.

Literature cited by the submitters: PubMed 12974739.